The following is an entry in ClinVar:

ClinVar aggregate classification (germline): Uncertain significance (1 of 4 stars; one submission).

Conditions:
Brugada syndrome. Also called: Sudden Unexplained Death Syndrome; Sudden Unexplained Nocturnal Death Syndrome (SUNDS); Sudden unexpected nocturnal death syndrome; Sudden unexplained nocturnal death syndrome. Identifiers: Orphanet 130, MedGen C1142166, MONDO:0015263.

Submission:

Labcorp Genetics (formerly Invitae), Labcorp
Classification: Uncertain significance for Brugada syndrome. Last evaluated: 2020-11-17. Review status: criteria provided, single submitter. Criteria: Invitae Variant Classification Sherloc (09022015). Collection method: clinical testing. Allele origin: germline.
Comment: This sequence change replaces glycine with cysteine at codon 1086 of the SCN10A protein (p.Gly1086Cys). The glycine residue is highly conserved and there is a large physicochemical difference between glycine and cysteine. This variant is not present in population databases (ExAC no frequency). This variant has not been reported in the literature in individuals with SCN10A-related conditions. Algorithms developed to predict the effect of missense changes on protein structure and function output the following: SIFT: "Tolerated"; PolyPhen-2: "Possibly Damaging"; Align-GVGD: "Class C0". The cysteine amino acid residue is found in multiple mammalian species, suggesting that this missense change does not adversely affect protein function. These predictions have not been confirmed by published functional studies and their clinical significance is uncertain. In summary, the available evidence is currently insufficient to determine the role of this variant in disease. Therefore, it has been classified as a Variant of Uncertain Significance.

NM_006514.4(SCN10A):c.3256G>T (p.Gly1086Cys)

Genes: SCN10A (sodium voltage-gated channel alpha subunit 10; minus strand), LOC110121288 (VISTA enhancer hs2268; plus strand). Cytogenetic location: 3p22.2.
Variant type: single nucleotide variant.
Coding change: c.3256G>T on transcript NM_006514.4 (MANE Select); coding-DNA position 3256, G replaced by T.
Protein change: p.Gly1086Cys; replaces glycine 1086 with cysteine.
Molecular consequence: missense variant.
Genome position (GRCh38, 1-based): chr3:38,723,526, C>A on the plus strand (G>T on the coding strand, the complement: SCN10A is on the minus strand). VCF-style: chr3-38723526-C-A. GRCh37 (hg19) VCF-style: chr3-38765017-C-A.
Other names: c.3253G>T, p.Gly1085Cys (NM_001293306.2); c.2962G>T, p.Gly988Cys (NM_001293307.2); short protein forms G988C, G1086C, G1085C.
Identifiers: ClinVar variation 1363109 (VCV001363109.8), dbSNP rs755448967, ClinGen allele CA352156412.
Genomic context (GRCh38, chr3:38,723,526, plus strand): 5'-CTGCCAGCTCAGGGATCTTCCTCAGGATTTCCTCAGGATCTAGGCAGTCCACCGTGCTGC[C>A]CTCAGAGGAGCTTGTGTCGTCCACTCCCTGCAGGGGAGAAGCCCAGGGCAGTGAACTCGT-3'
Protein context (NP_006505.4, residues 1076-1096): EGVDDTSSSE[Gly1086Cys]STVDCLDPEE